The following is an entry in ClinVar:

ClinVar aggregate classification (germline): Uncertain significance (1 of 4 stars; one submission).

Allele frequency attached by ClinVar (database versions not stated): gnomAD exomes below 0.00001.
gnomAD v4.1: 1 of 1,611,630 alleles (0.000062%); highest among the groups gnomAD compares: South Asian, 0.0011%; no homozygotes.

Submission:

Labcorp Genetics (formerly Invitae), Labcorp
Classification: Uncertain significance. Last evaluated: 2022-09-06. Review status: criteria provided, single submitter. Criteria: Invitae Variant Classification Sherloc (09022015). Collection method: clinical testing. Allele origin: germline.
Comment: In summary, the available evidence is currently insufficient to determine the role of this variant in disease. Therefore, it has been classified as a Variant of Uncertain Significance. Algorithms developed to predict the effect of missense changes on protein structure and function output the following: SIFT: "Tolerated"; PolyPhen-2: "Benign"; Align-GVGD: "Class C0". The threonine amino acid residue is found in multiple mammalian species, which suggests that this missense change does not adversely affect protein function. This variant has not been reported in the literature in individuals affected with CNGA1-related conditions. This variant is not present in population databases (gnomAD no frequency). This sequence change replaces isoleucine, which is neutral and non-polar, with threonine, which is neutral and polar, at codon 27 of the CNGA1 protein (p.Ile27Thr).

NM_001379270.1(CNGA1):c.68T>C (p.Ile23Thr)

Genes: CNGA1 (cyclic nucleotide gated channel subunit alpha 1; minus strand), LOC101927157 (uncharacterized LOC101927157; plus strand). Cytogenetic location: 4p12.
Variant type: single nucleotide variant.
Coding change: c.68T>C on transcript NM_001379270.1 (MANE Select); coding-DNA position 68, T replaced by C.
Protein change: p.Ile23Thr; replaces isoleucine 23 with threonine.
Molecular consequence: missense variant.
Genome position (GRCh38, 1-based): chr4:47,952,622, A>G on the plus strand (T>C on the coding strand, the complement: CNGA1 is on the minus strand). VCF-style: chr4-47952622-A-G. GRCh37 (hg19) VCF-style: chr4-47954639-A-G.
Other names: c.68T>C, p.Ile23Thr (NM_000087.5, NM_001142564.2); c.80T>C, p.Ile27Thr (NM_001375386.1); short protein forms I23T, I27T.
Identifiers: ClinVar variation 2194975 (VCV002194975.4), dbSNP rs2475822893, ClinGen allele CA356836569.
Genomic context (GRCh38, chr4:47,952,622, plus strand): 5'-TGGGAAAATGTTTGGATTTACCTGCATGCTCCATTTTCCATCCTTCGTATTTCCTTTTCA[A>G]TATCTGGTACAATCACATTGGGCATGGTTACAAAAGACTGCTGTGTATTGATAATATTGT-3'
Protein context (NP_001366199.1, residues 13-33): VTMPNVIVPD[Ile23Thr]EKEIRRMENG